The following is an entry in ClinVar:

ClinVar aggregate classification (germline): Uncertain significance (1 of 4 stars; one submission).

Allele frequency attached by ClinVar (database versions not stated): ExAC 0.00002; gnomAD exomes 0.00002.
gnomAD v4.1: 22 of 1,614,132 alleles (0.0014%); highest among the groups gnomAD compares: Non-Finnish European, 0.0014%; no homozygotes.

Submission:

Labcorp Genetics (formerly Invitae), Labcorp
Classification: Uncertain significance. Last evaluated: 2022-07-23. Review status: criteria provided, single submitter. Criteria: Invitae Variant Classification Sherloc (09022015). Collection method: clinical testing. Allele origin: germline.
Comment: In summary, the available evidence is currently insufficient to determine the role of this variant in disease. Therefore, it has been classified as a Variant of Uncertain Significance. Algorithms developed to predict the effect of missense changes on protein structure and function (SIFT, PolyPhen-2, Align-GVGD) all suggest that this variant is likely to be tolerated. ClinVar contains an entry for this variant (Variation ID: 1443799). This variant has not been reported in the literature in individuals affected with COQ7-related conditions. This variant is present in population databases (rs780369090, gnomAD 0.004%). This sequence change replaces serine, which is neutral and polar, with threonine, which is neutral and polar, at codon 36 of the COQ7 protein (p.Ser36Thr).

NM_016138.5(COQ7):c.107G>C (p.Ser36Thr)

Gene: COQ7 (coenzyme Q7, hydroxylase; plus strand). Cytogenetic location: 16p12.3.
Variant type: single nucleotide variant.
Coding change: c.107G>C on transcript NM_016138.5 (MANE Select); coding-DNA position 107, G replaced by C.
Protein change: p.Ser36Thr; replaces serine 36 with threonine.
Molecular consequence: missense variant. On other transcripts: 5 prime UTR variant (5), non-coding transcript variant (3).
Genome position (GRCh38, 1-based): chr16:19,071,961, G>C. VCF-style: chr16-19071961-G-C. GRCh37 (hg19) VCF-style: chr16-19083283-G-C.
Other names: c.-8G>C (NM_001190983.2, NM_001370492.1, NM_001370493.1 and 2 more transcripts); c.65G>C, p.Ser22Thr (NM_001370489.1, NM_001370491.1); c.107G>C, p.Ser36Thr (NM_001370490.1); short protein forms S22T, S36T.
Identifiers: ClinVar variation 1443799 (VCV001443799.4), dbSNP rs780369090, ClinGen allele CA7932885.